The following is an entry in ClinVar:

NM_022168.4(IFIH1):c.2710A>T (p.Thr904Ser)

Gene: IFIH1 (interferon induced with helicase C domain 1; minus strand). Cytogenetic location: 2q24.2.
Variant type: single nucleotide variant.
Coding change: c.2710A>T on transcript NM_022168.4 (MANE Select); coding-DNA position 2710, A replaced by T.
Protein change: p.Thr904Ser; replaces threonine 904 with serine.
Molecular consequence: missense variant.
Genome position (GRCh38, 1-based): chr2:162,268,184, T>A on the plus strand (A>T on the coding strand, the complement: IFIH1 is on the minus strand). VCF-style: chr2-162268184-T-A. GRCh37 (hg19) VCF-style: chr2-163124694-T-A.
Other names: short protein forms T904S.
Identifiers: ClinVar variation 3753615 (VCV003753615.2).

ClinVar aggregate classification (germline): Uncertain significance (1 of 4 stars; one submission).

Conditions:
Singleton-Merten syndrome 1 (SGMRT1). Also called: Syndrome of widened medullary cavities of the metacarpals and phalanges, aortic calcification and abnormal dentition; Widened medullary cavities of bone, aortic calcification, abnormal dentition, and muscular weakness. Identifiers: Orphanet 85191, MedGen C4225427, MONDO:0024535, OMIM 182250.
Aicardi-Goutieres syndrome 7 (AGS7). Identifiers: Orphanet 51, MedGen C3888244, MONDO:0014367, OMIM 615846.

Submission:

Labcorp Genetics (formerly Invitae), Labcorp
Classification: Uncertain significance for Aicardi-Goutieres syndrome 7; Singleton-Merten syndrome 1. Last evaluated: 2025-12-19. Review status: criteria provided, single submitter. Criteria: Invitae Variant Classification Sherloc (09022015). Collection method: clinical testing. Allele origin: germline.
Comment: This sequence change replaces threonine, which is neutral and polar, with serine, which is neutral and polar, at codon 904 of the IFIH1 protein (p.Thr904Ser). This variant is not present in population databases (gnomAD no frequency). This variant has not been reported in the literature in individuals affected with IFIH1-related conditions. ClinVar contains an entry for this variant (Variation ID: 3753615). An algorithm developed to predict the effect of missense changes on protein structure and function outputs the following: PolyPhen-2: "Benign". The serine amino acid residue is found in multiple mammalian species, which suggests that this missense change does not adversely affect protein function. In summary, the available evidence is currently insufficient to determine the role of this variant in disease. Therefore, it has been classified as a Variant of Uncertain Significance.